The following is an entry in ClinVar:

ClinVar aggregate classification (germline): Benign. Review status: criteria provided, multiple submitters, no conflicts (2 of 4 stars). 2 submissions from 2 submitters: Benign (2). Last evaluated 2023-11-12.

Submissions (2):

Unidad de Genómica Garrahan, Hospital de Pediatría Garrahan
Classification: Benign. Last evaluated: 2023-11-12. Review status: criteria provided, single submitter. Criteria: ACMG Guidelines, 2015. Collection method: clinical testing. Allele origin: germline. Affected: no. Observed: 46 variant alleles.
Comment: This variant is classified as Benign based on local population frequency. This variant was detected in 48% of patients studied by a panel of primary immunodeficiencies. Number of patients: 46. Only high quality variants are reported.

GeneDx
Classification: Benign. Last evaluated: 2021-05-20. Review status: criteria provided, single submitter. Criteria: GeneDx Variant Classification Process June 2021. Collection method: clinical testing. Allele origin: germline. Affected: yes.

NM_006254.4(PRKCD):c.1743+29_1743+33del

Gene: PRKCD (protein kinase C delta; plus strand). Cytogenetic location: 3p21.1.
Variant type: Deletion.
Coding change: c.1743+29_1743+33del on transcript NM_006254.4 (MANE Select); bases 29 to 33 of the intron after coding-DNA position 1743, 5 bases deleted (TCTGG; older notation c.1743+29_1743+33delTCTGG).
Molecular consequence: intron variant.
Genome position (GRCh38, 1-based): chr3:53,189,275-53,189,279, TCTGG deleted; deleting any 5 consecutive bases within chr3:53,189,271-53,189,279 gives the same sequence; the c. name uses the placement nearest the transcript's 3' end. VCF-style (leftmost placement, unchanged base first): chr3-53189270-GCTGGT-G. GRCh37 (hg19) VCF-style: chr3-53223286-GCTGGT-G.
Other names: c.1743+29_1743+33del (NM_001354680.2, NM_001354679.2, NM_212539.2 and 1 more transcripts); c.1800+29_1800+33del (NM_001354676.2); c.1791+29_1791+33del (NM_001354678.2).
Identifiers: ClinVar variation 1257917 (VCV001257917.4), dbSNP rs57672057, ClinGen allele CA2452272.
Genomic context (GRCh38, chr3:53,189,270, plus strand): 5'-CTGGATCACCAAGGAGTCCAAGGACATCCTGGAGAAGGTGGAGGCCCTGGGCTGGGCTGG[GCTGGT>G]CTGGGCTGGGCTGGGGCAGGGGCTGGCAGACACTGGGCTTTGGGTGAGGAGCTTCCTGTC-3'